The following is an entry in ClinVar:

ClinVar aggregate classification (germline): Uncertain significance (1 of 4 stars; one submission).

Submission:

GeneDx
Classification: Uncertain significance. Last evaluated: 2016-12-13. Review status: criteria provided, single submitter. Criteria: GeneDx Variant Classification (06012015). Collection method: clinical testing. Allele origin: germline. Affected: yes.
Comment: The c.379_387delCTGTGGTGGinsTTCTTGGA variant in the GJB3 gene has not been reported previously as a pathogenic variant nor as a benign variant, to our knowledge. The c.379_387delCTGTGGTGGinsTTCTTGGA variant causes a frameshift starting with codon Leucine 127, changes this amino acid to a Phenylalanine residue, and creates a premature Stop codon at position 141 of the new reading frame, denoted p.Leu127PhefsX141. This variant is predicted to cause loss of normal protein function through protein truncation. The c.379_387delCTGTGGTGGinsTTCTTGGA variant was not observed in approximately 6500 individuals of European and African American ancestry in the NHLBI Exome Sequencing Project, indicating it is not a common benign variant in these populations. We interpret c.379_387delCTGTGGTGGinsTTCTTGGA as a variant of uncertain significance.

NM_024009.3(GJB3):c.379_387delinsTTCTTGGA (p.Leu127fs)

Gene: GJB3 (gap junction protein beta 3; plus strand). Cytogenetic location: 1p34.3.
Variant type: Indel.
Coding change: c.379_387delinsTTCTTGGA on transcript NM_024009.3 (MANE Select); coding-DNA positions 379 to 387, CTGTGGTGG replaced by TTCTTGGA.
Protein change: p.Leu127fs; shifts the reading frame from leucine 127.
Molecular consequence: frameshift variant.
Genome position (GRCh38, 1-based): chr1:34,785,141-34,785,149, CTGTGGTGG replaced by TTCTTGGA. VCF-style: chr1-34785141-CTGTGGTGG-TTCTTGGA. GRCh37 (hg19) VCF-style: chr1-35250742-CTGTGGTGG-TTCTTGGA.
Other names: c.379_387delinsTTCTTGGA, p.Leu127fs (NM_001005752.2); short protein forms L127fs.
Identifiers: ClinVar variation 372369 (VCV000372369.2), dbSNP rs1057517737, ClinGen allele CA16042317.